The following is an entry in ClinVar:

NM_000368.5(TSC1):c.2716C>T (p.Gln906Ter)

Gene: TSC1 (TSC complex subunit 1; minus strand). Cytogenetic location: 9q34.13.
Variant type: single nucleotide variant.
Coding change: c.2716C>T on transcript NM_000368.5 (MANE Select); coding-DNA position 2716, C replaced by T.
Protein change: p.Gln906Ter; replaces glutamine 906 with a stop codon.
Molecular consequence: nonsense.
Genome position (GRCh38, 1-based): chr9:132,897,520, G>A on the plus strand (C>T on the coding strand, the complement: TSC1 is on the minus strand). VCF-style: chr9-132897520-G-A. GRCh37 (hg19) VCF-style: chr9-135772907-G-A.
Other names: c.2713C>T, p.Gln905Ter (NM_001162426.2); c.2563C>T, p.Gln855Ter (NM_001162427.2); c.2353C>T, p.Gln785Ter (NM_001362177.2); short protein forms Q906*, Q785*, Q855*, Q905*.
Identifiers: ClinVar variation 48995 (VCV000048995.10), dbSNP rs118203732, ClinGen allele CA006937.
Genomic context (GRCh38, chr9:132,897,520, plus strand): 5'-GTTCCAAAAGAAGGTGGTCTTTCTTGGCCAGGTGAGATTCCAGTTCCAAAATCCGTTTTT[G>A]GGAGGTATCAAGCCTCTGAGTCTGCTGGAGAACATGGCTTCTGTTTTTTTCTAGCTCTTT-3'

ClinVar aggregate classification (germline): Pathogenic. Review status: criteria provided, multiple submitters, no conflicts (2 of 4 stars). 5 submissions from 5 submitters: Pathogenic (4). 1 of the submissions does not count toward it. Last evaluated 2023-10-04.

Conditions:
Tuberous sclerosis 1 (TSC1). Identifiers: Orphanet 805, MedGen C1854465, MONDO:0008612, OMIM 191100.
Tuberous sclerosis syndrome (TSC). Also called: Tuberous Sclerosis Complex; Tuberous sclerosis. Identifiers: Orphanet 805, MedGen C0041341, MONDO:0001734.

Submissions (5):

Labcorp Genetics (formerly Invitae), Labcorp
Classification: Pathogenic for Tuberous sclerosis 1. Last evaluated: 2023-10-04. Review status: criteria provided, single submitter. Criteria: Invitae Variant Classification Sherloc (09022015). Collection method: clinical testing. Allele origin: germline.
Comment: This sequence change creates a premature translational stop signal (p.Gln906*) in the TSC1 gene. It is expected to result in an absent or disrupted protein product. Loss-of-function variants in TSC1 are known to be pathogenic (PMID: 10227394, 17304050). This variant is not present in population databases (gnomAD no frequency). This variant has not been reported in the literature in individuals affected with TSC1-related conditions. ClinVar contains an entry for this variant (Variation ID: 48995). For these reasons, this variant has been classified as Pathogenic.

Genome-Nilou Lab
Classification: Pathogenic for Tuberous sclerosis 1. Last evaluated: 2021-11-07. Review status: criteria provided, single submitter. Criteria: ACMG Guidelines, 2015. Collection method: clinical testing. Allele origin: germline. Affected: no.

GeneDx
Classification: Pathogenic. Last evaluated: 2018-02-05. Review status: criteria provided, single submitter. Criteria: GeneDx Variant Classification (06012015). Collection method: clinical testing. Allele origin: germline. Affected: yes.
Comment: A pathogenic variant has been identified in the TSC1 gene. The Q906X nonsense variant is predicted to cause loss of normal protein function either through protein truncation or nonsense-mediated mRNA decay. The Q906X variant is not observed in large population cohorts (Lek et al., 2016). Although this pathogenic variant has not been reported previously to our knowledge, its presence is consistent with a diagnosis of tuberous sclerosis complex.

Center for Human Genetics, Inc
Classification: Pathogenic for Tuberous sclerosis 1. Last evaluated: 2016-11-01. Review status: criteria provided, single submitter. Criteria: ACMG Guidelines, 2015. Collection method: clinical testing. Allele origin: germline. Affected: yes.

Tuberous sclerosis database (TSC1)
No classification provided. Condition: TSC. Review status: no classification provided. Criteria: Tuberous Sclerosis Database Assertion Criteria 2015. Collection method: curation. Allele origin: germline. Affected: yes. Not counted in ClinVar's aggregate classification.

Literature cited by the submitters: PubMed 10227394 (cited by Labcorp Genetics (formerly Invitae), Labcorp); PubMed 17304050 (cited by Labcorp Genetics (formerly Invitae), Labcorp).